The following is an entry in ClinVar:

ClinVar aggregate classification (germline): Pathogenic (1 of 4 stars; one submission).

Conditions:
Alport syndrome. Also called: Hemorrhagic familial nephritis; Hemorrhagic hereditary nephritis; Congenital hereditary hematuria. Identifiers: Orphanet 63, MedGen C1567741, MONDO:0018965.

Submission:

Myriad Genetics, Inc.
Classification: Pathogenic for Alport syndrome. Last evaluated: 2024-06-16. Review status: criteria provided, single submitter. Criteria: Myriad Autosomal Dominant, Autosomal Recessive and X-Linked Classification Criteria (2023). Collection method: clinical testing. Allele origin: unknown.
Comment: NM_000091.4(COL4A3):c.3253delA(M1085Wfs*69) is expected to be pathogenic in the context of Alport syndrome, COL4A3-related. This variant is predicted to lead to an abnormal or absent protein product due to the creation of a premature termination codon in COL4A3, a gene where loss-of-function variants are known to be pathogenic. Please note: this variant was assessed in the context of healthy population screening.

NM_000091.5(COL4A3):c.3253del (p.Met1085fs)

Genes: COL4A3 (collagen type IV alpha 3 chain; plus strand), MFF-DT (MFF divergent transcript; minus strand). Cytogenetic location: 2q36.3.
Variant type: Deletion.
Coding change: c.3253del on transcript NM_000091.5 (MANE Select); coding-DNA position 3253, one base deleted (A; older notation c.3253delA).
Protein change: p.Met1085fs; shifts the reading frame from methionine 1085.
Molecular consequence: frameshift variant.
Genome position (GRCh38, 1-based): chr2:227,293,233, A deleted; the last of 3 consecutive A bases (chr2:227,293,231-227,293,233); deleting any one gives the same sequence. VCF-style (leftmost placement, unchanged base first): chr2-227293230-GA-G. GRCh37 (hg19) VCF-style: chr2-228157946-GA-G.
Other names: short protein forms M1085fs.
Identifiers: ClinVar variation 5013187 (VCV005013187.1).
Genomic context (GRCh38, chr2:227,293,230, plus strand): 5'-AGGTATTTGACTACATTTAAGGGGGATCCAGGACTGCCGGGTGATATGGGAAAGAAAGGA[GA>G]AATGGGGCAACCTGGCCCACCTGGACATTTGGGGCCTGCTGGACCTGAGGGAGCCCCTGG-3'